The following is an entry in ClinVar:

ClinVar aggregate classification (germline): Pathogenic/Likely pathogenic. Review status: criteria provided, multiple submitters, no conflicts (2 of 4 stars). 2 submissions from 2 submitters: Pathogenic (1); Likely pathogenic (1). Last evaluated 2023-10-18.

Conditions:
Vascular malformation. Also called: Vascular malformations. Identifiers: MedGen C0158570, MONDO:0024291.

Submissions (2):

Clinical Genomics Laboratory, Washington University in St. Louis
Classification: Likely pathogenic for Vascular malformation. Last evaluated: 2023-10-18. Review status: criteria provided, single submitter. Criteria: ACMG Guidelines, 2015. Collection method: clinical testing. Allele origin: somatic. Affected: yes.
Comment: The MAP2K1 c.306_311del (p.Ile103_Lys104del) variant was identified at an allelic fraction consistent with somatic origin. This variant has been reported in individuals with spitzoid melanocytic lesions (Kerckhoffs KGP et al., PMID: 33040161; Zaremba A et al., PMID: 35737508); however, have not been reported in association with vascular malformations. This variant has been reported in multiple cancer cases as a somatic variant in the cancer database COSMIC (COSMIC ID: COSV61069477). This variant is absent from the general population (gnomAD v.3.1.2), indicating it is not a common variant. Functional studies show that this variant leads to RAS-independent autophosphorylation and activation of downstream pERK and pMEK pathways, indicating that this variant impacts protein function (Gao Y et al., PMID: 29483135; Mizuno S et al., PMID: 36442478). This variant is predicted to cause a change in the length of the protein due to an in-frame deletion of 2 amino acids in a non-repeat region. Based on an internally developed protocol informed by the ACMG/AMP guidelines (Richards S et al., PMID: 25741868) and gene-specific practices from the ClinGen Criteria Specification Registry, the MAP2K1 c.306_311del (p.Ile103_Lys104del) variant is classified as likely pathogenic.

Seattle Children's Hospital Molecular Genetics Laboratory, Seattle Children's Hospital
Classification: Pathogenic. Review status: criteria provided, single submitter. Criteria: ACMG Guidelines, 2015. Collection method: clinical testing. Allele origin: somatic. Affected: yes.
Comment: The p.Ile103_Lys104del variant results in loss of 6 nucleotides leading to an activating in-frame deletion within the MAP2K1 catalytic kinase domain. This variant has not been observed in large population studies (gnomAD v2.1.1). This variant has previously been reported in several individuals with spitz nevus, a melanocytic proliferation caused by MAPK pathway hyperactivation (PMID: 33040161, PMID: 35457030, PMID: 22082838).

NM_002755.4(MAP2K1):c.306_311del (p.Ile103_Lys104del)

Gene: MAP2K1 (mitogen-activated protein kinase kinase 1; plus strand). Cytogenetic location: 15q22.31.
Variant type: Deletion.
Coding change: c.306_311del on transcript NM_002755.4 (MANE Select); coding-DNA positions 306 to 311, 6 bases deleted (GATCAA; older notation c.306_311delGATCAA).
Protein change: p.Ile103_Lys104del.
Molecular consequence: inframe deletion.
Genome position (GRCh38, 1-based): chr15:66,436,760-66,436,765, GATCAA deleted; deleting any 6 consecutive bases within chr15:66,436,759-66,436,765 gives the same sequence; the c. name uses the placement nearest the transcript's 3' end. VCF-style (leftmost placement, unchanged base first): chr15-66436758-GAGATCA-G. GRCh37 (hg19) VCF-style: chr15-66729096-GAGATCA-G.
Other names: c.240_245del, p.Ile81_Lys82del (NM_001411065.1); c.306_311del (NM_002755.3).
Identifiers: ClinVar variation 2672096 (VCV002672096.2), dbSNP rs2140583383, ClinGen allele CA645570548.
Genomic context (GRCh38, chr15:66,436,758, plus strand): 5'-CCTCCCTCTTTCTTTCATAAAACCTCTCTTTCTTCCACCTTTCTCCAGCTAATTCATCTG[GAGATCA>G]AACCCGCAATCCGGAACCAGATCATAAGGGAGCTGCAGGTTCTGCATGAGTGCAACTCTC-3'